The following is an entry in ClinVar:

ClinVar aggregate classification (germline): Uncertain significance. Review status: criteria provided, single submitter (1 of 4 stars). 2 submissions from 2 submitters: Uncertain significance (1). 1 of the submissions does not count toward it. Last evaluated 2021-10-31.

Conditions:
Propionic acidemia (PROP). Also called: GLYCINEMIA, KETOTIC; HYPERGLYCINEMIA WITH KETOACIDOSIS AND LEUKOPENIA; KETOTIC HYPERGLYCINEMIA. Identifiers: Orphanet 35, MedGen C0268579, MONDO:0011628, OMIM 606054, HP:0003571.

Allele frequency attached by ClinVar (database versions not stated): TOPMed below 0.00001; gnomAD exomes 0.00001.
gnomAD v4.1: 7 of 1,610,718 alleles (0.00043%); no homozygotes.

Submissions (2):

Labcorp Genetics (formerly Invitae), Labcorp
Classification: Uncertain significance for Propionic acidemia. Last evaluated: 2021-10-31. Review status: criteria provided, single submitter. Criteria: Invitae Variant Classification Sherloc (09022015). Collection method: clinical testing. Allele origin: germline.
Comment: This sequence change replaces glycine, which is neutral and non-polar, with cysteine, which is neutral and slightly polar, at codon 705 of the PCCA protein (p.Gly705Cys). This variant is not present in population databases (gnomAD no frequency). This variant has not been reported in the literature in individuals affected with PCCA-related conditions. ClinVar contains an entry for this variant (Variation ID: 989602). Algorithms developed to predict the effect of missense changes on protein structure and function (SIFT, PolyPhen-2, Align-GVGD) all suggest that this variant is likely to be disruptive. In summary, the available evidence is currently insufficient to determine the role of this variant in disease. Therefore, it has been classified as a Variant of Uncertain Significance.

Natera, Inc.
Classification: Uncertain significance for Propionic acidemia. Last evaluated: 2020-04-17. Review status: no assertion criteria provided. Collection method: clinical testing. Allele origin: germline. Not counted in ClinVar's aggregate classification.

NM_000282.4(PCCA):c.2113G>T (p.Gly705Cys)

Gene: PCCA (propionyl-CoA carboxylase subunit alpha; plus strand). Cytogenetic location: 13q32.3.
Variant type: single nucleotide variant.
Coding change: c.2113G>T on transcript NM_000282.4 (MANE Select); coding-DNA position 2113, G replaced by T.
Protein change: p.Gly705Cys; replaces glycine 705 with cysteine.
Molecular consequence: missense variant. On other transcripts: non-coding transcript variant (5).
Genome position (GRCh38, 1-based): chr13:100,527,747, G>T. VCF-style: chr13-100527747-G-T. GRCh37 (hg19) VCF-style: chr13-101180001-G-T.
Other names: c.1972G>T, p.Gly658Cys (NM_001178004.2); c.2059G>T, p.Gly687Cys (NM_001352605.2); c.1969G>T, p.Gly657Cys (NM_001352606.2); c.1894G>T, p.Gly632Cys (NM_001352607.2); c.1891G>T, p.Gly631Cys (NM_001352608.2); c.1168G>T, p.Gly390Cys (NM_001352610.2); c.1114G>T, p.Gly372Cys (NM_001352611.2); c.1024G>T, p.Gly342Cys (NM_001352612.2); and 1 more; short protein forms G342C, G372C, G390C, G631C, G632C, G657C, G658C, G679C.
Identifiers: ClinVar variation 989602 (VCV000989602.3), dbSNP rs2087968295, ClinGen allele CA388640738.
Genomic context (GRCh38, chr13:100,527,747, plus strand): 5'-CAAGAAATTTGTGTGATTGAAGCCATGAAAATGCAGAATAGTATGACAGCTGGGAAAACT[G>T]GCACGGTGAGTCCCTAAGTCCCCATCAGCCCAGGCCGGCCCTGTGATGGAGGAACGCCCA-3'
Protein context (NP_000273.2, residues 695-715): MQNSMTAGKT[Gly705Cys]TVKSVHCQAG